The following is an entry in ClinVar:

NM_033337.3(CAV3):c.7G>A (p.Ala3Thr)

Gene: CAV3 (caveolin 3; plus strand). Cytogenetic location: 3p25.3.
Variant type: single nucleotide variant.
Coding change: c.7G>A on transcript NM_033337.3 (MANE Select); coding-DNA position 7, G replaced by A.
Protein change: p.Ala3Thr; replaces alanine 3 with threonine.
Molecular consequence: missense variant.
Genome position (GRCh38, 1-based): chr3:8,733,883, G>A. VCF-style: chr3-8733883-G-A. GRCh37 (hg19) VCF-style: chr3-8775569-G-A.
Other names: c.7G>A, p.Ala3Thr (NM_001234.5); short protein forms A3T.
Identifiers: ClinVar variation 1479480 (VCV001479480.8), dbSNP rs1291499448, ClinGen allele CA351661138.

ClinVar aggregate classification (germline): Uncertain significance (1 of 4 stars; one submission).

Conditions:
Long QT syndrome (LQTS). Identifiers: MedGen C0023976, MeSH D008133, MONDO:0002442. Disease mechanism: loss of function. Inheritance: Various modes of inheritance.

Allele frequency attached by ClinVar (database versions not stated): gnomAD exomes below 0.00001; TOPMed below 0.00001.
gnomAD v4.1: 1 of 1,605,252 alleles (0.000062%); highest among the groups gnomAD compares: Non-Finnish European, 0.000085%; no homozygotes.

Submission:

Labcorp Genetics (formerly Invitae), Labcorp
Classification: Uncertain significance for Long QT syndrome. Last evaluated: 2025-12-28. Review status: criteria provided, single submitter. Criteria: Invitae Variant Classification Sherloc (09022015). Collection method: clinical testing. Allele origin: germline.
Comment: This sequence change replaces alanine, which is neutral and non-polar, with threonine, which is neutral and polar, at codon 3 of the CAV3 protein (p.Ala3Thr). This variant is present in population databases (no rsID available, gnomAD 0.002%). This variant has not been reported in the literature in individuals affected with CAV3-related conditions. ClinVar contains an entry for this variant (Variation ID: 1479480). An algorithm developed to predict the effect of missense changes on protein structure and function outputs the following: PolyPhen-2: "Benign". The threonine amino acid residue is found in multiple mammalian species, which suggests that this missense change does not adversely affect protein function. In summary, the available evidence is currently insufficient to determine the role of this variant in disease. Therefore, it has been classified as a Variant of Uncertain Significance.